The following is an entry in ClinVar:

NM_001347721.2(DYRK1A):c.638-2A>G

Gene: DYRK1A (dual specificity tyrosine phosphorylation regulated kinase 1A; plus strand). Cytogenetic location: 21q22.13.
Variant type: single nucleotide variant.
Coding change: c.638-2A>G on transcript NM_001347721.2 (MANE Select); the canonical splice acceptor site of the intron before coding-DNA position 638, A replaced by G.
Molecular consequence: splice acceptor variant.
Genome position (GRCh38, 1-based): chr21:37,490,173, A>G. VCF-style: chr21-37490173-A-G. GRCh37 (hg19) VCF-style: chr21-38862475-A-G.
Other names: c.665-2A>G (NM_001396.5, NM_101395.2, NM_130438.2); c.638-2A>G (NM_001347722.2, NM_130436.2); c.551-2A>G (NM_001347723.2).
Identifiers: ClinVar variation 373544 (VCV000373544.5), dbSNP rs1057518474, ClinGen allele CA16043117.

ClinVar aggregate classification (germline): Pathogenic/Likely pathogenic. Review status: criteria provided, multiple submitters, no conflicts (2 of 4 stars). 3 submissions from 3 submitters: Pathogenic (1); Likely pathogenic (1). 1 of the submissions does not count toward it. Last evaluated 2020-05-28.

Conditions:
Intellectual disability. Also called: Intellectual functioning disability; intellectual disabilities; Intellectual developmental disorder. Identifiers: MedGen C3714756, MeSH D008607, MONDO:0001071, HP:0001249.
DYRK1A-related disorder.

Submissions (3):

Blueprint Genetics
Classification: Likely pathogenic for DYRK1A-related disorders. Last evaluated: 2020-05-28. Review status: criteria provided, single submitter. Criteria: ACMG Guidelines, 2015. Collection method: clinical testing. Allele origin: germline. Affected: yes. Observed: 1 variant allele.

GeneDx
Classification: Pathogenic. Last evaluated: 2018-10-03. Review status: criteria provided, single submitter. Criteria: GeneDx Variant Classification (06012015). Collection method: clinical testing. Allele origin: germline. Affected: yes.
Comment: The c.665-2A>G variant in the DYRK1A gene has not been reported previously as a pathogenic variant nor as a benign variant, to our knowledge. This splice site variant destroys the canonical splice donor site in intron 5. It is predicted to cause abnormal gene splicing, either leading to an abnormal message that is subject to nonsense-mediated mRNA decay, or to an abnormal protein product if the message is used for protein translation. The c.665-2A>G variant is not observed in large population cohorts (Lek et al., 2016). We now interpret c.665-2A>G as a pathogenic variant

Diagnostic Laboratory, Strasbourg University Hospital
Classification: Pathogenic for intellectual disability. Last evaluated: 2021-06-07. Review status: no assertion criteria provided. Collection method: clinical testing. Allele origin: de novo. Inheritance: Autosomal dominant inheritance. Affected: yes. Observed: 1 variant allele, 1 heterozygote. Not counted in ClinVar's aggregate classification.